The following is an entry in ClinVar:

ClinVar aggregate classification (germline): Uncertain significance. Review status: criteria provided, multiple submitters, no conflicts (2 of 4 stars). 3 submissions from 3 submitters: Uncertain significance (2). 1 of the submissions does not count toward it. Last evaluated 2022-05-25.

Conditions:
Mucopolysaccharidosis type 1. Also called: IDUA deficiency; MPS I; Mucopolysaccharidosis Type I. Identifiers: Orphanet 579, MedGen C0023786, MONDO:0001586.
Inborn genetic diseases. Identifiers: MedGen C0950123, MeSH D030342.

Allele frequency attached by ClinVar (database versions not stated): gnomAD 0.00004 and 0.00003; TOPMed 0.00010.
gnomAD v4.1: 7 of 1,415,660 alleles (0.00049%); highest among the groups gnomAD compares: African/African-American, 0.009%; no homozygotes.

Submissions (3):

Labcorp Genetics (formerly Invitae), Labcorp
Classification: Uncertain significance for Mucopolysaccharidosis type 1. Last evaluated: 2022-05-25. Review status: criteria provided, single submitter. Criteria: Invitae Variant Classification Sherloc (09022015). Collection method: clinical testing. Allele origin: germline.
Comment: This sequence change replaces proline, which is neutral and non-polar, with alanine, which is neutral and non-polar, at codon 22 of the IDUA protein (p.Pro22Ala). This variant is present in population databases (no rsID available, gnomAD 0.01%). This variant has not been reported in the literature in individuals affected with IDUA-related conditions. ClinVar contains an entry for this variant (Variation ID: 1000369). Advanced modeling of protein sequence and biophysical properties (such as structural, functional, and spatial information, amino acid conservation, physicochemical variation, residue mobility, and thermodynamic stability) performed at Invitae indicates that this missense variant is not expected to disrupt IDUA protein function. In summary, the available evidence is currently insufficient to determine the role of this variant in disease. Therefore, it has been classified as a Variant of Uncertain Significance.

Ambry Genetics
Classification: Uncertain significance for Inborn genetic diseases. Last evaluated: 2021-10-13. Review status: criteria provided, single submitter. Criteria: Ambry Variant Classification Scheme 2023. Collection method: clinical testing. Allele origin: germline.
Comment: The p.P22A variant (also known as c.64C>G), located in coding exon 1 of the IDUA gene, results from a C to G substitution at nucleotide position 64. The proline at codon 22 is replaced by alanine, an amino acid with highly similar properties. This amino acid position is conserved. In addition, this alteration is predicted to be tolerated by in silico analysis. Since supporting evidence is limited at this time, the clinical significance of this alteration remains unclear.

Natera, Inc.
Classification: Uncertain significance for Mucopolysaccharidosis type I. Last evaluated: 2020-05-04. Review status: no assertion criteria provided. Collection method: clinical testing. Allele origin: germline. Not counted in ClinVar's aggregate classification.

NM_000203.5(IDUA):c.64C>G (p.Pro22Ala)

Genes: SLC26A1 (solute carrier family 26 member 1; minus strand), IDUA (alpha-L-iduronidase; plus strand). Cytogenetic location: 4p16.3.
Variant type: single nucleotide variant.
Coding change: c.64C>G on transcript NM_000203.5 (MANE Select); coding-DNA position 64, C replaced by G.
Protein change: p.Pro22Ala; replaces proline 22 with alanine.
Molecular consequence: missense variant. On other transcripts: non-coding transcript variant (1), intron variant (1).
Genome position (GRCh38, 1-based): chr4:987,148, C>G. VCF-style: chr4-987148-C-G. GRCh37 (hg19) VCF-style: chr4-980936-C-G.
Other names: c.64C>G (NM_000203.3); c.576+3980G>C (NM_134425.4); short protein forms P22A.
Identifiers: ClinVar variation 1000369 (VCV001000369.16), dbSNP rs1001972534, ClinGen allele CA91144678.